The following is an entry in ClinVar:

ClinVar aggregate classification (germline): Uncertain significance (1 of 4 stars; one submission).

Submission:

Mayo Clinic Laboratories, Mayo Clinic
Classification: Uncertain significance. Last evaluated: 2023-07-06. Review status: criteria provided, single submitter. Criteria: ACMG Guidelines, 2015. Collection method: clinical testing. Allele origin: germline. Observed: 1 variant allele.
Comment: PP3, PM1_supporting, PM2_moderate

NM_019616.4(F7):c.521G>C (p.Gly174Ala)

Gene: F7 (coagulation factor VII; plus strand). Cytogenetic location: 13q34.
Variant type: single nucleotide variant.
Coding change: c.521G>C on transcript NM_019616.4 (MANE Select); coding-DNA position 521, G replaced by C.
Protein change: p.Gly174Ala; replaces glycine 174 with alanine.
Molecular consequence: missense variant. On other transcripts: non-coding transcript variant (1).
Genome position (GRCh38, 1-based): chr13:113,116,781, G>C. VCF-style: chr13-113116781-G-C. GRCh37 (hg19) VCF-style: chr13-113771095-G-C.
Other names: p.Gly196Ala; c.587G>C, p.Gly196Ala (NM_000131.5); c.335G>C, p.Gly112Ala (NM_001267554.2); short protein forms G112A, G174A, G196A.
Identifiers: ClinVar variation 3380172 (VCV003380172.1).
Genomic context (GRCh38, chr13:113,116,781, plus strand): 5'-ATCCCTCACAAATCTCTGCATCTTTCTGACTTTTGTTTTACACAGTTGAATATCCATGTG[G>C]AAAAATACCTATTCTAGAAAAAAGAAATGCCAGCAAACCCCAAGGCCGAATTGTGGGGGG-3'
Protein context (NP_062562.1, residues 164-184): SCTPTVEYPC[Gly174Ala]KIPILEKRNA